The following is an entry in ClinVar:

ClinVar aggregate classification (germline): Uncertain significance (1 of 4 stars; one submission).

gnomAD v4.1: 1 of 1,612,204 alleles (0.000062%); highest among the groups gnomAD compares: Non-Finnish European, 0.000085%; no homozygotes.

Submission:

GeneDx
Classification: Uncertain significance. Last evaluated: 2023-11-13. Review status: criteria provided, single submitter. Criteria: GeneDx Variant Classification Process June 2021. Collection method: clinical testing. Allele origin: germline. Affected: yes.
Comment: Not observed at significant frequency in large population cohorts (gnomAD); In silico analysis supports that this missense variant does not alter protein structure/function; Has not been previously published as pathogenic or benign to our knowledge

NM_001378328.1(CELSR1):c.8911T>C (p.Ser2971Pro)

Gene: CELSR1 (cadherin EGF LAG seven-pass G-type receptor 1; minus strand). Cytogenetic location: 22q13.31.
Variant type: single nucleotide variant.
Coding change: c.8911T>C on transcript NM_001378328.1 (MANE Select); coding-DNA position 8911, T replaced by C.
Protein change: p.Ser2971Pro; replaces serine 2971 with proline.
Molecular consequence: missense variant.
Genome position (GRCh38, 1-based): chr22:46,364,120, A>G on the plus strand (T>C on the coding strand, the complement: CELSR1 is on the minus strand). VCF-style: chr22-46364120-A-G. GRCh37 (hg19) VCF-style: chr22-46760017-A-G.
Other names: c.8911T>C, p.Ser2971Pro (NM_014246.4); short protein forms S2971P.
Identifiers: ClinVar variation 3364215 (VCV003364215.1).
Genomic context (GRCh38, chr22:46,364,120, plus strand): 5'-GGTCACGCCCCGGCTCCCTCCCAGGGCTCTTGACTGTGATGGCGCAGTCGGGGCCGCCAG[A>G]GCCCAGGGAAGACGTGCGCGAGGATGTGGGGCTCTGCTCACAGTCGGCCAGCTTCTCCCG-3'
Protein context (NP_001365257.1, residues 2961-2981): PTSSRTSSLG[Ser2971Pro]GGPDCAITVK